The following is an entry in ClinVar:

ClinVar aggregate classification (germline): Uncertain significance (1 of 4 stars; one submission).

Conditions:
Hereditary spastic paraplegia 72 (SPG72A). Also called: Spastic paraplegia 72, autosomal recessive. Identifiers: Orphanet 401849, MedGen C5882669, MONDO:0014282, OMIM 615625.

Allele frequency attached by ClinVar (database versions not stated): gnomAD exomes below 0.00001.
gnomAD v4.1: 3 of 1,613,584 alleles (0.00019%); highest among the groups gnomAD compares: East Asian, 0.0022%; no homozygotes.

Submission:

Labcorp Genetics (formerly Invitae), Labcorp
Classification: Uncertain significance for Hereditary spastic paraplegia 72. Last evaluated: 2023-09-26. Review status: criteria provided, single submitter. Criteria: Invitae Variant Classification Sherloc (09022015). Collection method: clinical testing. Allele origin: germline.
Comment: This sequence change replaces glutamic acid, which is acidic and polar, with lysine, which is basic and polar, at codon 162 of the REEP2 protein (p.Glu162Lys). This variant is present in population databases (no rsID available, gnomAD 0.003%). This variant has not been reported in the literature in individuals affected with REEP2-related conditions. An algorithm developed to predict the effect of missense changes on protein structure and function (PolyPhen-2) suggests that this variant is likely to be tolerated. In summary, the available evidence is currently insufficient to determine the role of this variant in disease. Therefore, it has been classified as a Variant of Uncertain Significance.

NM_001271803.2(REEP2):c.484G>A (p.Glu162Lys)

Gene: REEP2 (receptor accessory protein 2; plus strand). Cytogenetic location: 5q31.2.
Variant type: single nucleotide variant.
Coding change: c.484G>A on transcript NM_001271803.2 (MANE Select); coding-DNA position 484, G replaced by A.
Protein change: p.Glu162Lys; replaces glutamic acid 162 with lysine.
Molecular consequence: missense variant. On other transcripts: non-coding transcript variant (2).
Genome position (GRCh38, 1-based): chr5:138,445,294, G>A. VCF-style: chr5-138445294-G-A. GRCh37 (hg19) VCF-style: chr5-137780983-G-A.
Other names: c.478G>A, p.Glu160Lys (NM_016606.4); short protein forms E160K, E162K.
Identifiers: ClinVar variation 2716397 (VCV002716397.3), dbSNP rs1194160589, ClinGen allele CA361104321.